The following is an entry in ClinVar:

NM_080732.4(EGLN2):c.244G>C (p.Gly82Arg)

Genes: EGLN2 (egl-9 family hypoxia inducible factor 2; plus strand), RAB4B-EGLN2 (RAB4B-EGLN2 readthrough (NMD candidate); plus strand). Cytogenetic location: 19q13.2.
Variant type: single nucleotide variant.
Coding change: c.244G>C on transcript NM_080732.4 (MANE Select); coding-DNA position 244, G replaced by C.
Protein change: p.Gly82Arg; replaces glycine 82 with arginine.
Molecular consequence: missense variant. On other transcripts: non-coding transcript variant (1).
Genome position (GRCh38, 1-based): chr19:40,800,816, G>C. VCF-style: chr19-40800816-G-C. GRCh37 (hg19) VCF-style: chr19-41306721-G-C.
Other names: c.244G>C, p.Gly82Arg (NM_053046.4); short protein forms G82R.
Identifiers: ClinVar variation 1791468 (VCV001791468.3), dbSNP rs749952823, ClinGen allele CA405954850.

ClinVar aggregate classification (germline): Uncertain significance (1 of 4 stars; one submission).

Submission:

Ambry Genetics
Classification: Uncertain significance. Last evaluated: 2024-06-21. Review status: criteria provided, single submitter. Criteria: Ambry Variant Classification Scheme 2023. Collection method: clinical testing. Allele origin: germline.
Comment: The p.G82R variant (also known as c.244G>C), located in coding exon 1 of the EGLN2 gene, results from a G to C substitution at nucleotide position 244. The glycine at codon 82 is replaced by arginine, an amino acid with dissimilar properties. This amino acid position is conserved. In addition, this alteration is predicted to be tolerated by in silico analysis. Since supporting evidence is limited at this time, the clinical significance of this alteration remains unclear.